The following is an entry in ClinVar:

NM_001853.4(COL9A3):c.369+2T>C

Gene: COL9A3 (collagen type IX alpha 3 chain; plus strand). Cytogenetic location: 20q13.33.
Variant type: single nucleotide variant.
Coding change: c.369+2T>C on transcript NM_001853.4 (MANE Select); the canonical splice donor site of the intron after coding-DNA position 369, T replaced by C.
Molecular consequence: splice donor variant.
Genome position (GRCh38, 1-based): chr20:62,821,532, T>C. VCF-style: chr20-62821532-T-C. GRCh37 (hg19) VCF-style: chr20-61452884-T-C.
Identifiers: ClinVar variation 374320 (VCV000374320.7), dbSNP rs1057518693, ClinGen allele CA16043699.

ClinVar aggregate classification (germline): Uncertain significance. Review status: criteria provided, single submitter (1 of 4 stars). 2 submissions from 2 submitters: Uncertain significance (1). 1 of the submissions does not count toward it. Last evaluated 2022-05-27.

Conditions:
Epiphyseal dysplasia, multiple, 3 (EDM3). Also called: Epiphyseal dysplasia, multiple, 3, with or without myopathy; COL9A3-Related Multiple Epiphyseal Dysplasia. Identifiers: MedGen C1832998, MONDO:0010964, OMIM 600969.

Allele frequency attached by ClinVar (database versions not stated): TOPMed below 0.00001.

Submissions (2):

Labcorp Genetics (formerly Invitae), Labcorp
Classification: Uncertain significance. Last evaluated: 2022-05-27. Review status: criteria provided, single submitter. Criteria: Invitae Variant Classification Sherloc (09022015). Collection method: clinical testing. Allele origin: germline.
Comment: This variant is not present in population databases (gnomAD no frequency). This sequence change affects a donor splice site in intron 7 of the COL9A3 gene. Variants that disrupt the donor or acceptor splice site typically lead to a loss of protein function (PMID: 16199547), however it is unknown whether splice variants in this region will result in a loss of function. This variant has not been reported in the literature in individuals affected with COL9A3-related conditions. ClinVar contains an entry for this variant (Variation ID: 374320). Algorithms developed to predict the effect of sequence changes on RNA splicing suggest that this variant may disrupt the consensus splice site. In summary, the available evidence is currently insufficient to determine the role of this variant in disease. Therefore, it has been classified as a Variant of Uncertain Significance.

Baylor Genetics
Classification: Pathogenic for Epiphyseal dysplasia, multiple, 3. Last evaluated: 2014-09-23. Review status: no assertion criteria provided. Collection method: clinical testing. Allele origin: maternal. Inheritance: Autosomal dominant inheritance. Affected: yes. Observed: 1 variant allele, 1 heterozygote. Not counted in ClinVar's aggregate classification.
Comment: This variant affects the canonical splice site and therefore is categorized as deleterious.

Literature cited by the submitters: PubMed 16199547 (cited by Labcorp Genetics (formerly Invitae), Labcorp).